The following is an entry in ClinVar:

NM_006016.6(CD164):c.403A>G (p.Thr135Ala)

Gene: CD164 (CD164 molecule; minus strand). Cytogenetic location: 6q21.
Variant type: single nucleotide variant.
Coding change: c.403A>G on transcript NM_006016.6 (MANE Select); coding-DNA position 403, A replaced by G.
Protein change: p.Thr135Ala; replaces threonine 135 with alanine.
Molecular consequence: missense variant. On other transcripts: intron variant (1).
Genome position (GRCh38, 1-based): chr6:109,370,435, T>C on the plus strand (A>G on the coding strand, the complement: CD164 is on the minus strand). VCF-style: chr6-109370435-T-C. GRCh37 (hg19) VCF-style: chr6-109691638-T-C.
Other names: c.364A>G, p.Thr122Ala (NM_001142401.3); c.403A>G, p.Thr135Ala (NM_001142403.3, NM_001142404.3); c.301A>G, p.Thr101Ala (NM_001346500.2); c.371-1418A>G (NM_001142402.3); short protein forms T135A, T101A, T122A.
Identifiers: ClinVar variation 4744307 (VCV004744307.1).

ClinVar aggregate classification (germline): Uncertain significance (1 of 4 stars; one submission).

gnomAD v4.1: 2 of 1,613,282 alleles (0.00012%); highest among the groups gnomAD compares: Non-Finnish European, 0.00017%; no homozygotes.

Submission:

Labcorp Genetics (formerly Invitae), Labcorp
Classification: Uncertain significance. Last evaluated: 2025-03-20. Review status: criteria provided, single submitter. Criteria: Invitae Variant Classification Sherloc (09022015). Collection method: clinical testing. Allele origin: germline.
Comment: This sequence change replaces threonine, which is neutral and polar, with alanine, which is neutral and non-polar, at codon 135 of the CD164 protein (p.Thr135Ala). This variant is not present in population databases (gnomAD no frequency). This variant has not been reported in the literature in individuals affected with CD164-related conditions. An algorithm developed to predict the effect of missense changes on protein structure and function outputs the following: PolyPhen-2: "Possibly Damaging". The alanine amino acid residue is found in multiple mammalian species, which suggests that this missense change does not adversely affect protein function. In summary, the available evidence is currently insufficient to determine the role of this variant in disease. Therefore, it has been classified as a Variant of Uncertain Significance.